The following is an entry in ClinVar:

NM_007357.3(COG2):c.413G>A (p.Arg138Gln)

Gene: COG2 (component of oligomeric golgi complex 2; plus strand). Cytogenetic location: 1q42.2.
Variant type: single nucleotide variant.
Coding change: c.413G>A on transcript NM_007357.3 (MANE Select); coding-DNA position 413, G replaced by A.
Protein change: p.Arg138Gln; replaces arginine 138 with glutamine.
Molecular consequence: missense variant.
Genome position (GRCh38, 1-based): chr1:230,664,515, G>A. VCF-style: chr1-230664515-G-A. GRCh37 (hg19) VCF-style: chr1-230800261-G-A.
Other names: c.413G>A, p.Arg138Gln (NM_001145036.2); c.413G>A (NM_007357.2); short protein forms R138Q.
Identifiers: ClinVar variation 2145172 (VCV002145172.8), dbSNP rs199727575, ClinGen allele CA1447411.

ClinVar aggregate classification (germline): Uncertain significance. Review status: criteria provided, multiple submitters, no conflicts (2 of 4 stars). 3 submissions from 3 submitters: Uncertain significance (3). Last evaluated 2025-08-22.

Conditions:
Congenital disorder of glycosylation, type IIq. Also called: CDG IIq. Identifiers: Orphanet 435934, MedGen C4479353, MONDO:0054559, OMIM 617395.

Allele frequency attached by ClinVar (database versions not stated): ExAC 0.00001; TOPMed 0.00005.
gnomAD v4.1: 21 of 1,564,454 alleles (0.0013%); highest among the groups gnomAD compares: Middle Eastern, 0.056%; no homozygotes.

Submissions (3):

Ambry Genetics
Classification: Uncertain significance. Last evaluated: 2025-08-22. Review status: criteria provided, single submitter. Criteria: Ambry Variant Classification Scheme 2023. Collection method: clinical testing. Allele origin: germline.

Revvity Omics, Revvity
Classification: Uncertain significance for Congenital disorder of glycosylation, type IIq. Last evaluated: 2024-02-28. Review status: criteria provided, single submitter. Criteria: ACMG Guidelines, 2015. Collection method: clinical testing. Allele origin: germline.

Labcorp Genetics (formerly Invitae), Labcorp
Classification: Uncertain significance for Congenital disorder of glycosylation, type IIq. Last evaluated: 2022-04-28. Review status: criteria provided, single submitter. Criteria: Invitae Variant Classification Sherloc (09022015). Collection method: clinical testing. Allele origin: germline.
Comment: This variant has not been reported in the literature in individuals affected with COG2-related conditions. This variant is present in population databases (rs199727575, gnomAD 0.003%). This sequence change replaces arginine, which is basic and polar, with glutamine, which is neutral and polar, at codon 138 of the COG2 protein (p.Arg138Gln). Algorithms developed to predict the effect of missense changes on protein structure and function output the following: SIFT: "Tolerated"; PolyPhen-2: "Benign"; Align-GVGD: "Class C0". The glutamine amino acid residue is found in multiple mammalian species, which suggests that this missense change does not adversely affect protein function. In summary, the available evidence is currently insufficient to determine the role of this variant in disease. Therefore, it has been classified as a Variant of Uncertain Significance.